The following is an entry in ClinVar:

NM_199420.4(POLQ):c.4104G>T (p.Gln1368His)

Gene: POLQ (DNA polymerase theta; minus strand). Cytogenetic location: 3q13.33.
Variant type: single nucleotide variant.
Coding change: c.4104G>T on transcript NM_199420.4 (MANE Select); coding-DNA position 4104, G replaced by T.
Protein change: p.Gln1368His; replaces glutamine 1368 with histidine.
Molecular consequence: missense variant.
Genome position (GRCh38, 1-based): chr3:121,488,827, C>A on the plus strand (G>T on the coding strand, the complement: POLQ is on the minus strand). VCF-style: chr3-121488827-C-A. GRCh37 (hg19) VCF-style: chr3-121207674-C-A.
Other names: short protein forms Q1368H.
Identifiers: ClinVar variation 1737878 (VCV001737878.3), dbSNP rs2546786347, ClinGen allele CA354096152.
Genomic context (GRCh38, chr3:121,488,827, plus strand): 5'-ATCTATCTTAGTCGCTCCTAGAGGGTGCTGTTCAGCAGGAAAAGGAATGTGACACTCCTT[C>A]TGAAAAGAGTTCATTGAGTTCTGTTGGACTAAGCTCTTCTGCATTATCCCTGCTGCCAGG-3'
Protein context (NP_955452.3, residues 1358-1378): LVQQNSMNSF[Gln1368His]KECHIPFPAE

ClinVar aggregate classification (germline): Uncertain significance (1 of 4 stars; one submission).

Submission:

Ambry Genetics
Classification: Uncertain significance. Last evaluated: 2024-10-18. Review status: criteria provided, single submitter. Criteria: Ambry Variant Classification Scheme 2023. Collection method: clinical testing. Allele origin: germline.
Comment: The p.Q1368H variant (also known as c.4104G>T), located in coding exon 16 of the POLQ gene, results from a G to T substitution at nucleotide position 4104. The glutamine at codon 1368 is replaced by histidine, an amino acid with highly similar properties. This amino acid position is conserved. In addition, this alteration is predicted to be tolerated by in silico analysis. Since supporting evidence is limited at this time, the clinical significance of this alteration remains unclear.